The following is an entry in ClinVar:

ClinVar aggregate classification (germline): Uncertain significance (1 of 4 stars; one submission).

Conditions:
DCHS1-related disorder. Also called: DCHS1-related condition.

gnomAD v4.1: 3 of 1,613,106 alleles (0.00019%); highest among the groups gnomAD compares: African/African-American, 0.004%; no homozygotes.

Submission:

PreventionGenetics, part of Exact Sciences
Classification: Uncertain significance for DCHS1-related condition. Last evaluated: 2026-06-18. Review status: criteria provided, single submitter. Criteria: ACMG Guidelines, 2015. Collection method: clinical testing. Allele origin: germline.
Comment: The DCHS1 c.7499C>G variant is predicted to result in the amino acid substitution p.Thr2500Ser. To our knowledge, this variant has not been reported in the literature. This variant is reported in 0.011% of alleles in individuals of African descent in gnomAD. At this time, the clinical significance of this variant is uncertain due to the absence of conclusive functional and genetic evidence.

NM_003737.4(DCHS1):c.7499C>G (p.Thr2500Ser)

Gene: DCHS1 (dachsous cadherin-related 1; minus strand). Cytogenetic location: 11p15.4.
Variant type: single nucleotide variant.
Coding change: c.7499C>G on transcript NM_003737.4 (MANE Select); coding-DNA position 7499, C replaced by G.
Protein change: p.Thr2500Ser; replaces threonine 2500 with serine.
Molecular consequence: missense variant.
Genome position (GRCh38, 1-based): chr11:6,624,177, G>C on the plus strand (C>G on the coding strand, the complement: DCHS1 is on the minus strand). VCF-style: chr11-6624177-G-C. GRCh37 (hg19) VCF-style: chr11-6645408-G-C.
Other names: short protein forms T2500S.
Identifiers: ClinVar variation 4979307 (VCV004979307.1).